The following is an entry in ClinVar:

ClinVar aggregate classification (germline): Likely benign (1 of 4 stars; one submission).

Allele frequency attached by ClinVar (database versions not stated): TOPMed 0.00003; gnomAD 0.00005.

Submission:

GeneDx
Classification: Likely benign. Last evaluated: 2017-08-14. Review status: criteria provided, single submitter. Criteria: GeneDx Variant Classification (06012015). Collection method: clinical testing. Allele origin: germline. Affected: yes.
Comment: This variant is considered likely benign or benign based on one or more of the following criteria: it is a conservative change, it occurs at a poorly conserved position in the protein, it is predicted to be benign by multiple in silico algorithms, and/or has population frequency not consistent with disease.

NM_018238.4(AGK):c.-33G>A

Gene: AGK (acylglycerol kinase; plus strand). Cytogenetic location: 7q34.
Variant type: single nucleotide variant.
Coding change: c.-33G>A on transcript NM_018238.4 (MANE Select); 33 bases upstream of the start codon, G replaced by A.
Molecular consequence: 5 prime UTR variant.
Genome position (GRCh38, 1-based): chr7:141,551,416, G>A. VCF-style: chr7-141551416-G-A. GRCh37 (hg19) VCF-style: chr7-141251216-G-A.
Other names: c.-33G>A (NM_001364948.3).
Identifiers: ClinVar variation 516089 (VCV000516089.1), dbSNP rs1214692572, ClinGen allele CA578425826.